The following is an entry in ClinVar:

NM_000051.4(ATM):c.4279G>T (p.Ala1427Ser)

Gene: ATM (ATM serine/threonine kinase; plus strand). Cytogenetic location: 11q22.3.
Variant type: single nucleotide variant.
Coding change: c.4279G>T on transcript NM_000051.4 (MANE Select); coding-DNA position 4279, G replaced by T.
Protein change: p.Ala1427Ser; replaces alanine 1427 with serine.
Molecular consequence: missense variant.
Genome position (GRCh38, 1-based): chr11:108,289,644, G>T. VCF-style: chr11-108289644-G-T. GRCh37 (hg19) VCF-style: chr11-108160371-G-T.
Other names: c.4279G>T, p.Ala1427Ser (NM_001351834.2); short protein forms A1427S.
Identifiers: ClinVar variation 2846494 (VCV002846494.3), dbSNP rs2229021, ClinGen allele CA382531343.
Genomic context (GRCh38, chr11:108,289,644, plus strand): 5'-AATCTGTTTATTTTCTAGGATTCCTATCAGAAAATTCTTCTTGCCATATGTGAGCAAGCA[G>T]CTGAAACAAATAATGTTTATAAGAAGCACAGAATTCTTAAAATATATCACCTGTTTGTTA-3'
Protein context (NP_000042.3, residues 1417-1437): KILLAICEQA[Ala1427Ser]ETNNVYKKHR

ClinVar aggregate classification (germline): Uncertain significance (1 of 4 stars; one submission).

Conditions:
Ataxia-telangiectasia syndrome (AT). Also called: Cerebello-oculocutaneous telangiectasia; Immunodeficiency with ataxia telangiectasia; Ataxia-telangiectasia, complementation group E; Ataxia-telangiectasia, complementation group D; LOUIS-BAR SYNDROME; AT, COMPLEMENTATION GROUP C. Identifiers: Orphanet 100, MedGen C0004135, MONDO:0008840, OMIM 208900.

Submission:

Labcorp Genetics (formerly Invitae), Labcorp
Classification: Uncertain significance for Ataxia-telangiectasia syndrome. Last evaluated: 2023-03-17. Review status: criteria provided, single submitter. Criteria: Invitae Variant Classification Sherloc (09022015). Collection method: clinical testing. Allele origin: germline.
Comment: This variant is not present in population databases (gnomAD no frequency). This sequence change replaces alanine, which is neutral and non-polar, with serine, which is neutral and polar, at codon 1427 of the ATM protein (p.Ala1427Ser). This variant has not been reported in the literature in individuals affected with ATM-related conditions. In summary, the available evidence is currently insufficient to determine the role of this variant in disease. Therefore, it has been classified as a Variant of Uncertain Significance. An algorithm developed to predict the effect of missense changes on protein structure and function (PolyPhen-2) suggests that this variant is likely to be tolerated.